The following is an entry in ClinVar:

NM_005032.7(PLS3):c.1802A>G (p.Tyr601Cys)

Gene: PLS3 (plastin 3; plus strand). Cytogenetic location: Xq23.
Variant type: single nucleotide variant.
Coding change: c.1802A>G on transcript NM_005032.7 (MANE Select); coding-DNA position 1802, A replaced by G.
Protein change: p.Tyr601Cys; replaces tyrosine 601 with cysteine.
Molecular consequence: missense variant.
Genome position (GRCh38, 1-based): chrX:115,649,470, A>G. VCF-style: chrX-115649470-A-G. GRCh37 (hg19) VCF-style: chrX-114883790-A-G.
Other names: c.1802A>G, p.Tyr601Cys (NM_001136025.5); c.1721A>G, p.Tyr574Cys (NM_001172335.3); c.1763A>G, p.Tyr588Cys (NM_001282337.2); c.1667A>G, p.Tyr556Cys (NM_001282338.2); short protein forms Y556C, Y601C, Y574C, Y588C.
Identifiers: ClinVar variation 2301800 (VCV002301800.5), dbSNP rs782505445, ClinGen allele CA10497146.

ClinVar aggregate classification (germline): Uncertain significance. Review status: criteria provided, multiple submitters, no conflicts (2 of 4 stars). 2 submissions from 2 submitters: Uncertain significance (2). Last evaluated 2026-01-25.

Conditions:
Inborn genetic diseases. Identifiers: MedGen C0950123, MeSH D030342.

Allele frequency attached by ClinVar (database versions not stated): ExAC 0.00002; gnomAD exomes 0.00010; gnomAD 0.00002; TOPMed 0.00002.
gnomAD v4.1: 107 of 1,203,974 alleles (0.0089%); highest among the groups gnomAD compares: Non-Finnish European, 0.012%; no homozygotes.

Submissions (2):

Labcorp Genetics (formerly Invitae), Labcorp
Classification: Uncertain significance. Last evaluated: 2026-01-25. Review status: criteria provided, single submitter. Criteria: Invitae Variant Classification Sherloc (09022015). Collection method: clinical testing. Allele origin: germline.
Comment: This sequence change replaces tyrosine, which is neutral and polar, with cysteine, which is neutral and slightly polar, at codon 601 of the PLS3 protein (p.Tyr601Cys). This variant is present in population databases (rs782505445, gnomAD 0.008%). This variant has not been reported in the literature in individuals affected with PLS3-related conditions. ClinVar contains an entry for this variant (Variation ID: 2301800). Invitae Evidence Modeling of protein sequence and biophysical properties (such as structural, functional, and spatial information, amino acid conservation, physicochemical variation, residue mobility, and thermodynamic stability) indicates that this missense variant is expected to disrupt PLS3 protein function with a positive predictive value of 80%. In summary, the available evidence is currently insufficient to determine the role of this variant in disease. Therefore, it has been classified as a Variant of Uncertain Significance.

Ambry Genetics
Classification: Uncertain significance for Inborn genetic diseases. Last evaluated: 2022-07-13. Review status: criteria provided, single submitter. Criteria: Ambry Variant Classification Scheme 2023. Collection method: clinical testing. Allele origin: germline.